The following is an entry in ClinVar:

NM_002296.4(LBR):c.1166T>C (p.Leu389Ser)

Gene: LBR (lamin B receptor; minus strand). Cytogenetic location: 1q42.12.
Variant type: single nucleotide variant.
Coding change: c.1166T>C on transcript NM_002296.4 (MANE Select); coding-DNA position 1166, T replaced by C.
Protein change: p.Leu389Ser; replaces leucine 389 with serine.
Molecular consequence: missense variant.
Genome position (GRCh38, 1-based): chr1:225,411,359, A>G on the plus strand (T>C on the coding strand, the complement: LBR is on the minus strand). VCF-style: chr1-225411359-A-G. GRCh37 (hg19) VCF-style: chr1-225599061-A-G.
Other names: c.1166T>C, p.Leu389Ser (NM_194442.3); c.1166T>C (NM_002296.3); short protein forms L389S.
Identifiers: ClinVar variation 2895355 (VCV002895355.4), dbSNP rs763875580, ClinGen allele CA1417227.

ClinVar aggregate classification (germline): Uncertain significance. Review status: criteria provided, multiple submitters, no conflicts (2 of 4 stars). 2 submissions from 2 submitters: Uncertain significance (2). Last evaluated 2025-08-27.

Conditions:
Inborn genetic diseases. Identifiers: MedGen C0950123, MeSH D030342.

Allele frequency attached by ClinVar (database versions not stated): gnomAD exomes 0.00001; gnomAD 0.00003; TOPMed 0.00002; ExAC 0.00002.
gnomAD v4.1: 20 of 1,613,774 alleles (0.0012%); highest among the groups gnomAD compares: African/African-American, 0.0013%; no homozygotes.

Submissions (2):

Ambry Genetics
Classification: Uncertain significance for Inborn genetic diseases. Last evaluated: 2025-08-27. Review status: criteria provided, single submitter. Criteria: Ambry Variant Classification Scheme 2023. Collection method: clinical testing. Allele origin: germline.

Labcorp Genetics (formerly Invitae), Labcorp
Classification: Uncertain significance. Last evaluated: 2025-03-06. Review status: criteria provided, single submitter. Criteria: Invitae Variant Classification Sherloc (09022015). Collection method: clinical testing. Allele origin: germline.
Comment: This sequence change replaces leucine, which is neutral and non-polar, with serine, which is neutral and polar, at codon 389 of the LBR protein (p.Leu389Ser). This variant is present in population databases (rs763875580, gnomAD 0.06%). This variant has not been reported in the literature in individuals affected with LBR-related conditions. ClinVar contains an entry for this variant (Variation ID: 2895355). Invitae Evidence Modeling of protein sequence and biophysical properties (such as structural, functional, and spatial information, amino acid conservation, physicochemical variation, residue mobility, and thermodynamic stability) indicates that this missense variant is not expected to disrupt LBR protein function with a negative predictive value of 80%. In summary, the available evidence is currently insufficient to determine the role of this variant in disease. Therefore, it has been classified as a Variant of Uncertain Significance.